The following is an entry in ClinVar:

ClinVar aggregate classification (germline): Conflicting classifications of pathogenicity. Review status: criteria provided, conflicting classifications (1 of 4 stars). 4 submissions from 4 submitters: Uncertain significance (1); Likely benign (3). Last evaluated 2024-08-13.

Conditions:
Familial thoracic aortic aneurysm and aortic dissection (TAAD). Also called: Thoracic aortic aneurysms and dissections. Identifiers: Orphanet 91387, MedGen C4707243, MONDO:0019625.
Marfan syndrome (MFS). Also called: Marfan syndrome type 1; Marfan syndrome, classic; Marfan's syndrome; FBN1-Related Marfan Syndrome; MARFAN SYNDROME, TYPE I. Identifiers: Orphanet 284963, Orphanet 558, MedGen C0024796, MONDO:0007947, OMIM 154700.

Allele frequency attached by ClinVar (database versions not stated): gnomAD 0.00001; TOPMed 0.00002; gnomAD exomes 0.00001.
gnomAD v4.1: 10 of 1,613,874 alleles (0.00062%); highest among the groups gnomAD compares: African/African-American, 0.0027%; no homozygotes.

Submissions (4):

All of Us Research Program, National Institutes of Health
Classification: Likely benign for Marfan syndrome. Last evaluated: 2024-08-13. Review status: criteria provided, single submitter. Criteria: ACMG Guidelines, 2015. Collection method: clinical testing. Allele origin: germline. Inheritance: Autosomal dominant inheritance. Observed: 4 variant alleles, 4 heterozygotes.
Comment: This study involves interpretation of variants in research participants for the purpose of population health screening. Participant phenotype was not available at the time of variant classification. Additional details can be found in publication PMID: 35346344, PMCID: PMC8962531

Ambry Genetics
Classification: Likely benign for Familial thoracic aortic aneurysm and aortic dissection. Last evaluated: 2024-07-03. Review status: criteria provided, single submitter. Criteria: Ambry Variant Classification Scheme 2023. Collection method: clinical testing. Allele origin: germline.

Labcorp Genetics (formerly Invitae), Labcorp
Classification: Uncertain significance for Marfan syndrome; Familial thoracic aortic aneurysm and aortic dissection. Last evaluated: 2022-03-11. Review status: criteria provided, single submitter. Criteria: Invitae Variant Classification Sherloc (09022015). Collection method: clinical testing. Allele origin: germline.
Comment: This sequence change affects codon 382 of the FBN1 mRNA. It is a 'silent' change, meaning that it does not change the encoded amino acid sequence of the FBN1 protein. It affects a nucleotide within the consensus splice site. This variant is present in population databases (no rsID available, gnomAD 0.006%). This variant has not been reported in the literature in individuals affected with FBN1-related conditions. ClinVar contains an entry for this variant (Variation ID: 514304). Algorithms developed to predict the effect of sequence changes on RNA splicing suggest that this variant is not likely to affect RNA splicing. In summary, the available evidence is currently insufficient to determine the role of this variant in disease. Therefore, it has been classified as a Variant of Uncertain Significance.

GeneDx
Classification: Likely benign. Last evaluated: 2017-12-29. Review status: criteria provided, single submitter. Criteria: GeneDx Variant Classification (06012015). Collection method: clinical testing. Allele origin: germline. Affected: yes.
Comment: This variant is considered likely benign or benign based on one or more of the following criteria: it is a conservative change, it occurs at a poorly conserved position in the protein, it is predicted to be benign by multiple in silico algorithms, and/or has population frequency not consistent with disease.

NM_000138.5(FBN1):c.1146C>T (p.Thr382=)

Genes: FBN1 (fibrillin 1; minus strand), LOC113939944 (Sharpr-MPRA regulatory region 9539; plus strand). Cytogenetic location: 15q21.1.
Variant type: single nucleotide variant.
Coding change: c.1146C>T on transcript NM_000138.5 (MANE Select); coding-DNA position 1146, C replaced by T.
Protein change: p.Thr382=; no amino-acid change (threonine 382 retained).
Molecular consequence: synonymous variant.
Genome position (GRCh38, 1-based): chr15:48,520,660, G>A on the plus strand (C>T on the coding strand, the complement: FBN1 is on the minus strand). VCF-style: chr15-48520660-G-A. GRCh37 (hg19) VCF-style: chr15-48812857-G-A.
Identifiers: ClinVar variation 514304 (VCV000514304.8), dbSNP rs889875676, ClinGen allele CA269562436.
Genomic context (GRCh38, chr15:48,520,660, plus strand): 5'-CCACTGGGCTTGTGAGGGCTGGGATGGGATATTCTGCAGATAACTGGAAGGGCTCTTACC[G>A]GTTGCTCTGATGGGACACATCTCAGGGGCGACAGTGACCCCTGGAGACCAGCATCGGCCG-3'
Protein context (NP_000129.3, residues 372-392): VAPEMCPIRA[Thr382=]EDFNKLCSVP